The following is an entry in ClinVar:

ClinVar aggregate classification (germline): Uncertain significance (1 of 4 stars; one submission).

gnomAD v4.1: 1 of 1,614,032 alleles (0.000062%); highest among the groups gnomAD compares: South Asian, 0.0011%; no homozygotes.

Submission:

GeneDx
Classification: Uncertain significance. Last evaluated: 2024-11-18. Review status: criteria provided, single submitter. Criteria: GeneDx Variant Classification Process June 2021. Collection method: clinical testing. Allele origin: germline. Affected: yes.
Comment: Not observed at significant frequency in large population cohorts (gnomAD); In silico analysis supports that this missense variant has a deleterious effect on protein structure/function; Has not been previously published as pathogenic or benign to our knowledge

NM_024757.5(EHMT1):c.1964C>T (p.Pro655Leu)

Gene: EHMT1 (euchromatic histone lysine methyltransferase 1; plus strand). Cytogenetic location: 9q34.3.
Variant type: single nucleotide variant.
Coding change: c.1964C>T on transcript NM_024757.5 (MANE Select); coding-DNA position 1964, C replaced by T.
Protein change: p.Pro655Leu; replaces proline 655 with leucine.
Molecular consequence: missense variant.
Genome position (GRCh38, 1-based): chr9:137,776,790, C>T. VCF-style: chr9-137776790-C-T. GRCh37 (hg19) VCF-style: chr9-140671242-C-T.
Other names: c.1964C>T, p.Pro655Leu (NM_001145527.2); c.1871C>T, p.Pro624Leu (NM_001354259.2); c.1943C>T, p.Pro648Leu (NM_001354263.2); short protein forms P624L, P648L, P655L.
Identifiers: ClinVar variation 3900358 (VCV003900358.1).